The following is an entry in ClinVar:

NM_004999.4(MYO6):c.3057T>G (p.Ser1019Arg)

Gene: MYO6 (myosin VI; plus strand). Cytogenetic location: 6q14.1.
Variant type: single nucleotide variant.
Coding change: c.3057T>G on transcript NM_004999.4 (MANE Select); coding-DNA position 3057, T replaced by G.
Protein change: p.Ser1019Arg; replaces serine 1019 with arginine.
Molecular consequence: missense variant. On other transcripts: non-coding transcript variant (1).
Genome position (GRCh38, 1-based): chr6:75,892,640, T>G. VCF-style: chr6-75892640-T-G. GRCh37 (hg19) VCF-style: chr6-76602357-T-G.
Other names: c.3057T>G, p.Ser1019Arg (NM_001300899.2, NM_001368136.1, NM_001368137.1 and 2 more transcripts); c.3042T>G, p.Ser1014Arg (NM_001368138.1); short protein forms S1014R, S1019R.
Identifiers: ClinVar variation 985662 (VCV000985662.10), dbSNP rs372968228, ClinGen allele CA3897533.
Genomic context (GRCh38, chr6:75,892,640, plus strand): 5'-GCAAGCAGTTCTGGAGCAGGAGCGCAGGGACCGGGAGCTGGCCCTGAGGATTGCCCAGAG[T>G]GAAGCCGAGCTCATCAGTGATGAGGCCCAGGCCGACCTGGCGCTGCGGAGGTACTGGGGC-3'
Protein context (NP_004990.3, residues 1009-1029): DRELALRIAQ[Ser1019Arg]EAELISDEAQ

ClinVar aggregate classification (germline): Uncertain significance. Review status: criteria provided, multiple submitters, no conflicts (2 of 4 stars). 4 submissions from 4 submitters: Uncertain significance (4). Last evaluated 2024-11-13.

Conditions:
Inborn genetic diseases. Identifiers: MedGen C0950123, MeSH D030342.
MYO6-related disorder. Also called: MYO6-related disorders; MYO6-related condition.

Allele frequency attached by ClinVar (database versions not stated): gnomAD exomes 0.00001; TOPMed 0.00001; ExAC 0.00002.
gnomAD v4.1: 15 of 1,612,872 alleles (0.00093%); highest among the groups gnomAD compares: East Asian, 0.018%; no homozygotes.

Submissions (4):

PreventionGenetics, part of Exact Sciences
Classification: Uncertain significance for MYO6-related condition. Last evaluated: 2024-11-13. Review status: criteria provided, single submitter. Criteria: ACMG Guidelines, 2015. Collection method: clinical testing. Allele origin: germline.
Comment: The MYO6 c.3057T>G variant is predicted to result in the amino acid substitution p.Ser1019Arg. This variant has been reported in the heterozygous state in an individual with hearing loss (Table S2, Ma et al. 2023. PubMed ID: 36597107). This variant is reported in 0.011% of alleles in individuals of East Asian descent in gnomAD. At this time, the clinical significance of this variant is uncertain due to the absence of conclusive functional and genetic evidence.

Labcorp Genetics (formerly Invitae), Labcorp
Classification: Uncertain significance. Last evaluated: 2023-08-04. Review status: criteria provided, single submitter. Criteria: Invitae Variant Classification Sherloc (09022015). Collection method: clinical testing. Allele origin: germline.
Comment: This sequence change replaces serine, which is neutral and polar, with arginine, which is basic and polar, at codon 1019 of the MYO6 protein (p.Ser1019Arg). This variant is present in population databases (rs372968228, gnomAD 0.01%). This variant has not been reported in the literature in individuals affected with MYO6-related conditions. ClinVar contains an entry for this variant (Variation ID: 985662). Advanced modeling of protein sequence and biophysical properties (such as structural, functional, and spatial information, amino acid conservation, physicochemical variation, residue mobility, and thermodynamic stability) performed at Invitae indicates that this missense variant is not expected to disrupt MYO6 protein function. In summary, the available evidence is currently insufficient to determine the role of this variant in disease. Therefore, it has been classified as a Variant of Uncertain Significance.

GeneDx
Classification: Uncertain significance. Last evaluated: 2022-05-04. Review status: criteria provided, single submitter. Criteria: GeneDx Variant Classification Process June 2021. Collection method: clinical testing. Allele origin: germline. Affected: yes.
Comment: In silico analysis supports that this missense variant does not alter protein structure/function; Has not been previously published as pathogenic or benign to our knowledge

Ambry Genetics
Classification: Uncertain significance for Inborn genetic diseases. Last evaluated: 2019-09-13. Review status: criteria provided, single submitter. Criteria: Ambry exome assertion method (8-5-2015). Collection method: clinical testing. Allele origin: germline. Affected: yes. Observed: 1 variant allele.